The following is an entry in ClinVar:

ClinVar aggregate classification (germline): Uncertain significance. Review status: criteria provided, multiple submitters, no conflicts (2 of 4 stars). 3 submissions from 3 submitters: Uncertain significance (3). Last evaluated 2025-08-04.

Conditions:
Peroxisome biogenesis disorder. Identifiers: Orphanet 79189, MedGen C1832200, MONDO:0019234. Disease mechanism: loss of function.
Inborn genetic diseases. Identifiers: MedGen C0950123, MeSH D030342.

Allele frequency attached by ClinVar (database versions not stated): gnomAD 0.00001; gnomAD exomes 0.00001.
gnomAD v4.1: 9 of 1,613,668 alleles (0.00056%); highest among the groups gnomAD compares: Admixed American, 0.0017%; no homozygotes.

Submissions (3):

Ambry Genetics
Classification: Uncertain significance for Inborn genetic diseases. Last evaluated: 2025-08-04. Review status: criteria provided, single submitter. Criteria: Ambry Variant Classification Scheme 2023. Collection method: clinical testing. Allele origin: germline.

Labcorp Genetics (formerly Invitae), Labcorp
Classification: Uncertain significance for Peroxisome biogenesis disorder. Last evaluated: 2024-04-29. Review status: criteria provided, single submitter. Criteria: Invitae Variant Classification Sherloc (09022015). Collection method: clinical testing. Allele origin: germline.
Comment: This sequence change replaces arginine, which is basic and polar, with tryptophan, which is neutral and slightly polar, at codon 70 of the PEX16 protein (p.Arg70Trp). This variant is present in population databases (no rsID available, gnomAD 0.006%). This variant has not been reported in the literature in individuals affected with PEX16-related conditions. ClinVar contains an entry for this variant (Variation ID: 290079). Advanced modeling of protein sequence and biophysical properties (such as structural, functional, and spatial information, amino acid conservation, physicochemical variation, residue mobility, and thermodynamic stability) performed at Invitae indicates that this missense variant is not expected to disrupt PEX16 protein function with a negative predictive value of 80%. In summary, the available evidence is currently insufficient to determine the role of this variant in disease. Therefore, it has been classified as a Variant of Uncertain Significance.

Eurofins Ntd Llc (ga)
Classification: Uncertain significance. Last evaluated: 2018-09-12. Review status: criteria provided, single submitter. Criteria: EGL ClinVar v180209 classification definitions. Collection method: clinical testing. Allele origin: germline. Observed: 2 variant alleles, 2 heterozygotes.

NM_004813.4(PEX16):c.208C>T (p.Arg70Trp)

Gene: PEX16 (peroxisomal biogenesis factor 16; minus strand). Cytogenetic location: 11p11.2.
Variant type: single nucleotide variant.
Coding change: c.208C>T on transcript NM_004813.4 (MANE Select); coding-DNA position 208, C replaced by T.
Protein change: p.Arg70Trp; replaces arginine 70 with tryptophan.
Molecular consequence: missense variant.
Genome position (GRCh38, 1-based): chr11:45,916,244, G>A on the plus strand (C>T on the coding strand, the complement: PEX16 is on the minus strand). VCF-style: chr11-45916244-G-A. GRCh37 (hg19) VCF-style: chr11-45937795-G-A.
Other names: c.208C>T, p.Arg70Trp (NM_057174.3); c.208C>T (NM_004813.2); short protein forms R70W.
Identifiers: ClinVar variation 290079 (VCV000290079.12), dbSNP rs886044340, ClinGen allele CA10606641.